The following is an entry in ClinVar:

NM_000142.5(FGFR3):c.939C>T (p.Gly313=)

Gene: FGFR3 (fibroblast growth factor receptor 3; plus strand). Cytogenetic location: 4p16.3.
Variant type: single nucleotide variant.
Coding change: c.939C>T on transcript NM_000142.5 (MANE Select); coding-DNA position 939, C replaced by T.
Protein change: p.Gly313=; no amino-acid change (glycine 313 retained).
Molecular consequence: synonymous variant. On other transcripts: non-coding transcript variant (1), intron variant (2).
Genome position (GRCh38, 1-based): chr4:1,803,700, C>T. VCF-style: chr4-1803700-C-T. GRCh37 (hg19) VCF-style: chr4-1805427-C-T.
Other names: c.939C>T, p.Gly313= (NM_001354809.2, NM_001354810.2); c.1082-630C>T (NM_001163213.2); c.931-1124C>T (NM_022965.4).
Identifiers: ClinVar variation 3036930 (VCV003036930.4), dbSNP rs201679424, ClinGen allele CA2810134.
Genomic context (GRCh38, chr4:1,803,700, plus strand): 5'-TGCCCGCAGGGCGGTGCTGGCGCTCGCCTATCGCTCTGCTCTCTCTTTGTAGACGGCGGG[C>T]GCTAACACCACCGACAAGGAGCTAGAGGTTCTCTCCTTGCACAACGTCACCTTTGAGGAC-3'
Protein context (NP_000133.1, residues 303-323): TPYVTVLKTA[Gly313=]ANTTDKELEV

ClinVar aggregate classification (germline): Likely benign. Review status: criteria provided, single submitter (1 of 4 stars). 2 submissions from 2 submitters: Likely benign (1). 1 of the submissions does not count toward it. Last evaluated 2024-02-09.

Conditions:
FGFR3-related disorder. Also called: FGFR3-related disorders.

Allele frequency attached by ClinVar (database versions not stated): ExAC 0.00002; gnomAD 0.00004; TOPMed 0.00002; 1000 Genomes Project 30x 0.00016; 1000 Genomes Project 0.00020.

Submissions (2):

Labcorp Genetics (formerly Invitae), Labcorp
Classification: Likely benign. Last evaluated: 2024-02-09. Review status: criteria provided, single submitter. Criteria: Invitae Variant Classification Sherloc (09022015). Collection method: clinical testing. Allele origin: germline.

PreventionGenetics, part of Exact Sciences
Classification: Likely benign for FGFR3-related condition. Last evaluated: 2020-06-17. Review status: no assertion criteria provided. Collection method: clinical testing. Allele origin: germline. Not counted in ClinVar's aggregate classification.
Comment: This variant is classified as likely benign based on ACMG/AMP sequence variant interpretation guidelines (Richards et al. 2015 PMID: 25741868, with internal and published modifications).